The following is an entry in ClinVar:

NM_006421.5(ARFGEF1):c.500A>T (p.His167Leu)

Gene: ARFGEF1 (ARF guanine nucleotide exchange factor 1; minus strand). Cytogenetic location: 8q13.2.
Variant type: single nucleotide variant.
Coding change: c.500A>T on transcript NM_006421.5 (MANE Select); coding-DNA position 500, A replaced by T.
Protein change: p.His167Leu; replaces histidine 167 with leucine.
Molecular consequence: missense variant. On other transcripts: 5 prime UTR variant (4), non-coding transcript variant (1).
Genome position (GRCh38, 1-based): chr8:67,296,570, T>A on the plus strand (A>T on the coding strand, the complement: ARFGEF1 is on the minus strand). VCF-style: chr8-67296570-T-A. GRCh37 (hg19) VCF-style: chr8-68208805-T-A.
Other names: c.500A>T, p.His167Leu (NM_001413187.1, NM_001413189.1, NM_001413190.1 and 7 more transcripts); c.-101A>T (NM_001413188.1, NM_001413193.1, NM_001413197.1); c.-616A>T (NM_001413196.1); c.500A>T (NM_006421.4); short protein forms H167L.
Identifiers: ClinVar variation 4292423 (VCV004292423.2).

ClinVar aggregate classification (germline): Uncertain significance. Review status: criteria provided, multiple submitters, no conflicts (2 of 4 stars). 2 submissions from 2 submitters: Uncertain significance (2). Last evaluated 2026-04-17.

Conditions:
Developmental delay, impaired speech, and behavioral abnormalities, with or without seizures (DEDISB). Identifiers: MedGen C5575272, MONDO:0859263, OMIM 619964.

Submissions (2):

GeneDx
Classification: Uncertain significance. Last evaluated: 2026-04-17. Review status: criteria provided, single submitter. Criteria: GeneDx Variant Classification Process June 2021. Collection method: clinical testing. Allele origin: germline.
Comment: Not observed at significant frequency in large population cohorts (gnomAD); In silico analysis supports that this missense variant has a deleterious effect on protein structure/function; Has not been previously published as pathogenic or benign to our knowledge

3billion
Classification: Uncertain significance for Developmental delay, impaired speech, and behavioral abnormalities, with or without seizures. Last evaluated: 2025-02-11. Review status: criteria provided, single submitter. Criteria: ACMG Guidelines, 2015. Collection method: clinical testing. Allele origin: germline. Affected: yes.
Comment: The variant is not observed in the gnomAD v4.1.0 dataset. Predicted Consequence/Location: Missense variant In silico tool predictions suggest damaging effect of the variant on gene or gene product [REVEL: 0.64 (>=0.6, sensitivity 0.68 and specificity 0.92)]. Therefore, this variant is classified as VUS according to the recommendation of ACMG/AMP guideline.